The following is an entry in ClinVar:

NM_002386.4(MC1R):c.621C>T (p.Tyr207=)

Gene: MC1R (melanocortin 1 receptor; plus strand). Cytogenetic location: 16q24.3.
Variant type: single nucleotide variant.
Coding change: c.621C>T on transcript NM_002386.4 (MANE Select); coding-DNA position 621, C replaced by T.
Protein change: p.Tyr207=; no amino-acid change (tyrosine 207 retained).
Molecular consequence: synonymous variant.
Genome position (GRCh38, 1-based): chr16:89,919,879, C>T. VCF-style: chr16-89919879-C-T. GRCh37 (hg19) VCF-style: chr16-89986287-C-T.
Identifiers: ClinVar variation 1238904 (VCV001238904.12), dbSNP rs538459120, ClinGen allele CA8255683.

ClinVar aggregate classification (germline): Benign/Likely benign. Review status: criteria provided, multiple submitters, no conflicts (2 of 4 stars). 3 submissions from 3 submitters: Benign (1); Likely benign (2). Last evaluated 2025-07-31.

Conditions:
Melanoma, cutaneous malignant, susceptibility to, 5. Also called: Cutaneous malignant melanoma 5. Identifiers: Orphanet 618, MedGen C2751295, MONDO:0013133, OMIM 613099.
MC1R-related disorder. Also called: MC1R-related condition.

Allele frequency attached by ClinVar (database versions not stated): TOPMed 0.00002; 1000 Genomes Project 30x 0.00016; 1000 Genomes Project 0.00020.

Submissions (3):

Labcorp Genetics (formerly Invitae), Labcorp
Classification: Likely benign for Melanoma, cutaneous malignant, susceptibility to, 5. Last evaluated: 2025-07-31. Review status: criteria provided, single submitter. Criteria: Invitae Variant Classification Sherloc (09022015). Collection method: clinical testing. Allele origin: germline.

PreventionGenetics, part of Exact Sciences
Classification: Likely benign for MC1R-related condition. Last evaluated: 2025-04-08. Review status: criteria provided, single submitter. Criteria: ACMG Guidelines, 2015. Collection method: clinical testing. Allele origin: germline.
Comment: This variant is classified as likely benign based on ACMG/AMP sequence variant interpretation guidelines (Richards et al. 2015 PMID: 25741868, with internal and published modifications).

GeneDx
Classification: Benign. Last evaluated: 2021-01-08. Review status: criteria provided, single submitter. Criteria: GeneDx Variant Classification Process June 2021. Collection method: clinical testing. Allele origin: germline. Affected: yes.
Comment: This variant is associated with the following publications: (PMID: 19585506)